The following is an entry in ClinVar:

ClinVar aggregate classification (germline): Uncertain significance (1 of 4 stars; one submission).

Conditions:
Retinitis pigmentosa (RP). Identifiers: Orphanet 791, MedGen C0035334, MeSH D012174, MONDO:0019200, OMIM 268000. Inheritance: Autosomal dominant, autosomal recessive and X linked inheritance.
Leber congenital amaurosis 14 (LCA14). Identifiers: MedGen C2750063, MONDO:0013231, OMIM 613341.

Submission:

Labcorp Genetics (formerly Invitae), Labcorp
Classification: Uncertain significance. Last evaluated: 2023-12-23. Review status: criteria provided, single submitter. Criteria: Invitae Variant Classification Sherloc (09022015). Collection method: clinical testing. Allele origin: germline.
Comment: This sequence change replaces leucine, which is neutral and non-polar, with proline, which is neutral and non-polar, at codon 51 of the LRAT protein (p.Leu51Pro). This variant is not present in population databases (gnomAD no frequency). This missense change has been observed in individual(s) with retinitis pigmentosa (Invitae). ClinVar contains an entry for this variant (Variation ID: 2009937). An algorithm developed to predict the effect of missense changes on protein structure and function (PolyPhen-2) suggests that this variant is likely to be disruptive. In summary, the available evidence is currently insufficient to determine the role of this variant in disease. Therefore, it has been classified as a Variant of Uncertain Significance.

NM_004744.5(LRAT):c.152T>C (p.Leu51Pro)

Gene: LRAT (lecithin retinol acyltransferase; plus strand). Cytogenetic location: 4q32.1.
Variant type: single nucleotide variant.
Coding change: c.152T>C on transcript NM_004744.5 (MANE Select); coding-DNA position 152, T replaced by C.
Protein change: p.Leu51Pro; replaces leucine 51 with proline.
Molecular consequence: missense variant.
Genome position (GRCh38, 1-based): chr4:154,744,478, T>C. VCF-style: chr4-154744478-T-C. GRCh37 (hg19) VCF-style: chr4-155665630-T-C.
Other names: c.152T>C (NM_004744.4); c.152T>C, p.Leu51Pro (NM_001301645.2); short protein forms L51P.
Identifiers: ClinVar variation 2009937 (VCV002009937.5), dbSNP rs2529972349, ClinGen allele CA358630090.